The following is an entry in ClinVar:

NM_005908.4(MANBA):c.2471T>A (p.Val824Asp)

Gene: MANBA (mannosidase beta; minus strand). Cytogenetic location: 4q24.
Variant type: single nucleotide variant.
Coding change: c.2471T>A on transcript NM_005908.4 (MANE Select); coding-DNA position 2471, T replaced by A.
Protein change: p.Val824Asp; replaces valine 824 with aspartic acid.
Molecular consequence: missense variant.
Genome position (GRCh38, 1-based): chr4:102,632,226, A>T on the plus strand (T>A on the coding strand, the complement: MANBA is on the minus strand). VCF-style: chr4-102632226-A-T. GRCh37 (hg19) VCF-style: chr4-103553383-A-T.
Other names: c.2471T>A (NM_005908.3); short protein forms V824D.
Identifiers: ClinVar variation 2058224 (VCV002058224.5), dbSNP rs371962590, ClinGen allele CA3026607.

ClinVar aggregate classification (germline): Uncertain significance. Review status: criteria provided, multiple submitters, no conflicts (2 of 4 stars). 2 submissions from 2 submitters: Uncertain significance (2). Last evaluated 2025-12-15.

Conditions:
Inborn genetic diseases. Identifiers: MedGen C0950123, MeSH D030342.
Beta-D-mannosidosis (MANSB). Also called: MANNOSIDOSIS, BETA A, LYSOSOMAL; BETA-MANNOSIDASE DEFICIENCY; LYSOSOMAL BETA-MANNOSIDASE DEFICIENCY; Beta-Mannosidosis. Identifiers: Orphanet 118, MedGen C4048196, MONDO:0009562, OMIM 248510.

Allele frequency attached by ClinVar (database versions not stated): gnomAD 0.00002; ESP Exome Variant Server 0.00008; TOPMed 0.00003; gnomAD exomes 0.00007; ExAC 0.00013.
gnomAD v4.1: 101 of 1,613,836 alleles (0.0063%); highest among the groups gnomAD compares: Non-Finnish European, 0.0081%; no homozygotes.

Submissions (2):

Labcorp Genetics (formerly Invitae), Labcorp
Classification: Uncertain significance for Beta-D-mannosidosis. Last evaluated: 2025-12-15. Review status: criteria provided, single submitter. Criteria: Invitae Variant Classification Sherloc (09022015). Collection method: clinical testing. Allele origin: germline.
Comment: This sequence change replaces valine, which is neutral and non-polar, with aspartic acid, which is acidic and polar, at codon 824 of the MANBA protein (p.Val824Asp). This variant is present in population databases (rs371962590, gnomAD 0.02%). This variant has not been reported in the literature in individuals affected with MANBA-related conditions. ClinVar contains an entry for this variant (Variation ID: 2058224). Invitae Evidence Modeling of protein sequence and biophysical properties (such as structural, functional, and spatial information, amino acid conservation, physicochemical variation, residue mobility, and thermodynamic stability) indicates that this missense variant is expected to disrupt MANBA protein function with a positive predictive value of 80%. In summary, the available evidence is currently insufficient to determine the role of this variant in disease. Therefore, it has been classified as a Variant of Uncertain Significance.

Ambry Genetics
Classification: Uncertain significance for Inborn genetic diseases. Last evaluated: 2025-08-14. Review status: criteria provided, single submitter. Criteria: Ambry Variant Classification Scheme 2023. Collection method: clinical testing. Allele origin: germline.